The following is an entry in ClinVar:

ClinVar aggregate classification (germline): Uncertain significance. Review status: criteria provided, multiple submitters, no conflicts (2 of 4 stars). 2 submissions from 2 submitters: Uncertain significance (2). Last evaluated 2024-12-09.

Conditions:
Inborn genetic diseases. Identifiers: MedGen C0950123, MeSH D030342.
Primary ciliary dyskinesia. Also called: Ciliary dyskinesia. Identifiers: Orphanet 244, MedGen C0008780, MONDO:0016575, HP:0012265.

Allele frequency attached by ClinVar (database versions not stated): gnomAD 0.00007 and 0.00006; gnomAD exomes 0.00008 and 0.00003; ExAC 0.00009; 1000 Genomes Project 30x 0.00031; 1000 Genomes Project 0.00040; TOPMed 0.00005.
gnomAD v4.1: 59 of 1,614,220 alleles (0.0037%); highest among the groups gnomAD compares: Admixed American, 0.018%; no homozygotes.

Submissions (2):

Ambry Genetics
Classification: Uncertain significance for Inborn genetic diseases. Last evaluated: 2024-12-09. Review status: criteria provided, single submitter. Criteria: Ambry Variant Classification Scheme 2023. Collection method: clinical testing. Allele origin: germline.

Labcorp Genetics (formerly Invitae), Labcorp
Classification: Uncertain significance for Primary ciliary dyskinesia. Last evaluated: 2022-07-22. Review status: criteria provided, single submitter. Criteria: Invitae Variant Classification Sherloc (09022015). Collection method: clinical testing. Allele origin: germline.
Comment: This sequence change replaces isoleucine, which is neutral and non-polar, with threonine, which is neutral and polar, at codon 413 of the DRC1 protein (p.Ile413Thr). This variant is present in population databases (rs551640350, gnomAD 0.01%). This variant has not been reported in the literature in individuals affected with DRC1-related conditions. ClinVar contains an entry for this variant (Variation ID: 641882). Algorithms developed to predict the effect of missense changes on protein structure and function (SIFT, PolyPhen-2, Align-GVGD) all suggest that this variant is likely to be tolerated. In summary, the available evidence is currently insufficient to determine the role of this variant in disease. Therefore, it has been classified as a Variant of Uncertain Significance.

NM_145038.5(DRC1):c.1238T>C (p.Ile413Thr)

Gene: DRC1 (dynein regulatory complex subunit 1; plus strand). Cytogenetic location: 2p23.3.
Variant type: single nucleotide variant.
Coding change: c.1238T>C on transcript NM_145038.5 (MANE Select); coding-DNA position 1238, T replaced by C.
Protein change: p.Ile413Thr; replaces isoleucine 413 with threonine.
Molecular consequence: missense variant.
Genome position (GRCh38, 1-based): chr2:26,444,790, T>C. VCF-style: chr2-26444790-T-C. GRCh37 (hg19) VCF-style: chr2-26667658-T-C.
Other names: c.1238T>C (NM_145038.2); short protein forms I413T.
Identifiers: ClinVar variation 641882 (VCV000641882.7), dbSNP rs551640350, ClinGen allele CA1562174.